The following is an entry in ClinVar:

NM_000238.4(KCNH2):c.765C>A (p.Ser255Arg)

Gene: KCNH2 (potassium voltage-gated channel subfamily H member 2; minus strand). Cytogenetic location: 7q36.1.
Variant type: single nucleotide variant.
Coding change: c.765C>A on transcript NM_000238.4 (MANE Select); coding-DNA position 765, C replaced by A.
Protein change: p.Ser255Arg; replaces serine 255 with arginine.
Molecular consequence: missense variant.
Genome position (GRCh38, 1-based): chr7:150,958,210, G>T on the plus strand (C>A on the coding strand, the complement: KCNH2 is on the minus strand). VCF-style: chr7-150958210-G-T. GRCh37 (hg19) VCF-style: chr7-150655298-G-T.
Other names: c.477C>A, p.Ser159Arg (NM_001406753.1, NM_001406756.1); c.588C>A, p.Ser196Arg (NM_001406755.1); c.465C>A, p.Ser155Arg (NM_001406757.1); c.765C>A, p.Ser255Arg (NM_172056.3); short protein forms S155R, S196R, S159R, S255R.
Identifiers: ClinVar variation 1962874 (VCV001962874.5), dbSNP rs2117004097, ClinGen allele CA369862581.
Genomic context (GRCh38, chr7:150,958,210, plus strand): 5'-GCTTTCTCGGGAGCGCGTCCGGGCCAGGCTGCAGCTGGAGCCCGAGGCGTCGGGGTTGAG[G>T]CTGTGCGCCCGGGGCGATGGGAGCTGGCCGGGCGCGCTGCGGGGCGGAGAGCCGGGACCC-3'
Protein context (NP_000229.1, residues 245-265): PGQLPSPRAH[Ser255Arg]LNPDASGSSC

ClinVar aggregate classification (germline): Uncertain significance (1 of 4 stars; one submission).

Conditions:
Long QT syndrome (LQTS). Identifiers: MedGen C0023976, MeSH D008133, MONDO:0002442. Disease mechanism: loss of function. Inheritance: Various modes of inheritance.

gnomAD v4.1: 2 of 1,372,184 alleles (0.00015%); highest among the groups gnomAD compares: South Asian, 0.0017%; no homozygotes.

Submission:

Labcorp Genetics (formerly Invitae), Labcorp
Classification: Uncertain significance for Long QT syndrome. Last evaluated: 2022-07-03. Review status: criteria provided, single submitter. Criteria: Invitae Variant Classification Sherloc (09022015). Collection method: clinical testing. Allele origin: germline.
Comment: This variant is not present in population databases (gnomAD no frequency). In summary, the available evidence is currently insufficient to determine the role of this variant in disease. Therefore, it has been classified as a Variant of Uncertain Significance. Algorithms developed to predict the effect of missense changes on protein structure and function (SIFT, PolyPhen-2, Align-GVGD) all suggest that this variant is likely to be tolerated. This variant has not been reported in the literature in individuals affected with KCNH2-related conditions. This sequence change replaces serine, which is neutral and polar, with arginine, which is basic and polar, at codon 255 of the KCNH2 protein (p.Ser255Arg).